The following is an entry in ClinVar:

ClinVar aggregate classification (germline): Uncertain significance. Review status: criteria provided, multiple submitters, no conflicts (2 of 4 stars). 3 submissions from 3 submitters: Uncertain significance (3). Last evaluated 2025-09-24.

Conditions:
Pancreatic adenocarcinoma. Identifiers: MedGen C0281361, MONDO:0006047, HP:0006725.
Pancreatic cancer, susceptibility to, 1. Identifiers: Orphanet 1333, MedGen C1847351, MONDO:0011739, OMIM 606856.

Allele frequency attached by ClinVar (database versions not stated): gnomAD exomes 0.00002 and 0.00005; ExAC 0.00007; gnomAD 0.00017 and 0.00019; 1000 Genomes Project 0.00020; ESP Exome Variant Server 0.00023; TOPMed 0.00023; 1000 Genomes Project 30x 0.00031.
gnomAD v4.1: 66 of 1,612,998 alleles (0.0041%); highest among the groups gnomAD compares: African/African-American, 0.052%; no homozygotes.

Submissions (3):

Labcorp Genetics (formerly Invitae), Labcorp
Classification: Uncertain significance for Pancreatic adenocarcinoma. Last evaluated: 2025-09-24. Review status: criteria provided, single submitter. Criteria: Invitae Variant Classification Sherloc (09022015). Collection method: clinical testing. Allele origin: germline.
Comment: This sequence change replaces glutamine, which is neutral and polar, with glutamic acid, which is acidic and polar, at codon 246 of the PALLD protein (p.Gln246Glu). This variant is present in population databases (rs140360991, gnomAD 0.05%), and has an allele count higher than expected for a pathogenic variant. This variant has not been reported in the literature in individuals affected with PALLD-related conditions. ClinVar contains an entry for this variant (Variation ID: 216539). An algorithm developed to predict the effect of missense changes on protein structure and function (PolyPhen-2) suggests that this variant is likely to be tolerated. In summary, the available evidence is currently insufficient to determine the role of this variant in disease. Therefore, it has been classified as a Variant of Uncertain Significance.

Ambry Genetics
Classification: Uncertain significance. Last evaluated: 2023-01-22. Review status: criteria provided, single submitter. Criteria: Ambry Variant Classification Scheme 2023. Collection method: clinical testing. Allele origin: germline.
Comment: The p.Q733E variant (also known as c.2197C>G), located in coding exon 11 of the PALLD gene, results from a C to G substitution at nucleotide position 2197. The glutamine at codon 733 is replaced by glutamic acid, an amino acid with highly similar properties. This amino acid position is conserved. In addition, the in silico prediction for this alteration is inconclusive. Since supporting evidence is limited at this time, the clinical significance of this alteration remains unclear.

Department of Pathology and Laboratory Medicine, Sinai Health System
Classification: Uncertain significance for Pancreatic cancer, susceptibility to, 1. Last evaluated: 2020-06-10. Review status: criteria provided, single submitter. Criteria: ACMG Guidelines, 2015. Collection method: research. Allele origin: germline.

NM_001166108.2(PALLD):c.2197C>G (p.Gln733Glu)

Genes: PALLD (palladin, cytoskeletal associated protein; plus strand), CBR4 (carbonyl reductase 4; minus strand). Cytogenetic location: 4q32.3.
Variant type: single nucleotide variant.
Coding change: c.2197C>G on transcript NM_001166108.2 (MANE Select); coding-DNA position 2197, C replaced by G.
Protein change: p.Gln733Glu; replaces glutamine 733 with glutamic acid.
Molecular consequence: missense variant.
Genome position (GRCh38, 1-based): chr4:168,894,675, C>G. VCF-style: chr4-168894675-C-G. GRCh37 (hg19) VCF-style: chr4-169815826-C-G.
Other names: c.1051C>G, p.Gln351Glu (NM_001166109.2); c.736C>G, p.Gln246Glu (NM_001166110.2); c.76C>G, p.Gln26Glu (NM_001367567.1, NM_001367568.1, NM_001367569.1 and 1 more transcripts); c.2197C>G, p.Gln733Glu (NM_016081.4); c.2197C>G (NM_016081.3); short protein forms Q246E, Q733E, Q26E, Q351E.
Identifiers: ClinVar variation 216539 (VCV000216539.12), dbSNP rs140360991, ClinGen allele CA337600.